The following is an entry in ClinVar:

ClinVar aggregate classification (germline): Uncertain significance. Review status: criteria provided, multiple submitters, no conflicts (2 of 4 stars). 2 submissions from 2 submitters: Uncertain significance (2). Last evaluated 2025-04-30.

Conditions:
Dilated cardiomyopathy 1DD (CMD1DD). Identifiers: Orphanet 154, MedGen C2750995, MONDO:0013168, OMIM 613172.

Allele frequency attached by ClinVar (database versions not stated): gnomAD exomes below 0.00001.
gnomAD v4.1: 1 of 1,551,904 alleles (0.000064%); highest among the groups gnomAD compares: Non-Finnish European, 0.000087%; no homozygotes.

Submissions (2):

Labcorp Genetics (formerly Invitae), Labcorp
Classification: Uncertain significance for Dilated cardiomyopathy 1DD. Last evaluated: 2025-04-30. Review status: criteria provided, single submitter. Criteria: Invitae Variant Classification Sherloc (09022015). Collection method: clinical testing. Allele origin: germline.
Comment: This sequence change replaces proline, which is neutral and non-polar, with leucine, which is neutral and non-polar, at codon 153 of the RBM20 protein (p.Pro153Leu). This variant is not present in population databases (gnomAD no frequency). This variant has not been reported in the literature in individuals affected with RBM20-related conditions. ClinVar contains an entry for this variant (Variation ID: 2435382). Invitae Evidence Modeling of protein sequence and biophysical properties (such as structural, functional, and spatial information, amino acid conservation, physicochemical variation, residue mobility, and thermodynamic stability) indicates that this missense variant is not expected to disrupt RBM20 protein function with a negative predictive value of 95%. In summary, the available evidence is currently insufficient to determine the role of this variant in disease. Therefore, it has been classified as a Variant of Uncertain Significance.

Revvity Omics, Revvity
Classification: Uncertain significance for Dilated cardiomyopathy 1DD. Last evaluated: 2022-08-23. Review status: criteria provided, single submitter. Criteria: ACMG Guidelines, 2015. Collection method: clinical testing. Allele origin: germline.

NM_001134363.3(RBM20):c.458C>T (p.Pro153Leu)

Gene: RBM20 (RNA binding motif protein 20; plus strand). Cytogenetic location: 10q25.2.
Variant type: single nucleotide variant.
Coding change: c.458C>T on transcript NM_001134363.3 (MANE Select); coding-DNA position 458, C replaced by T.
Protein change: p.Pro153Leu; replaces proline 153 with leucine.
Molecular consequence: missense variant.
Genome position (GRCh38, 1-based): chr10:110,781,067, C>T. VCF-style: chr10-110781067-C-T. GRCh37 (hg19) VCF-style: chr10-112540825-C-T.
Other names: short protein forms P153L.
Identifiers: ClinVar variation 2435382 (VCV002435382.5), dbSNP rs2493410091, ClinGen allele CA378380450.